The following is an entry in ClinVar:

ClinVar aggregate classification (germline): Uncertain significance (1 of 4 stars; one submission).

Conditions:
Myofibrillar myopathy 6. Identifiers: Orphanet 199340, MedGen C2751831, MONDO:0013061, OMIM 612954.
Dilated cardiomyopathy 1HH (CMD1HH). Identifiers: Orphanet 154, MedGen C3151293, MONDO:0013479, OMIM 613881.

Allele frequency attached by ClinVar (database versions not stated): gnomAD exomes below 0.00001; ExAC 0.00001.
gnomAD v4.1: 1 of 1,614,262 alleles (0.000062%); highest among the groups gnomAD compares: Non-Finnish European, 0.000085%; no homozygotes.

Submission:

Labcorp Genetics (formerly Invitae), Labcorp
Classification: Uncertain significance for Dilated cardiomyopathy 1HH; Myofibrillar myopathy 6. Last evaluated: 2023-09-26. Review status: criteria provided, single submitter. Criteria: Invitae Variant Classification Sherloc (09022015). Collection method: clinical testing. Allele origin: germline.
Comment: Advanced modeling of protein sequence and biophysical properties (such as structural, functional, and spatial information, amino acid conservation, physicochemical variation, residue mobility, and thermodynamic stability) performed at Invitae indicates that this missense variant is not expected to disrupt BAG3 protein function. In summary, the available evidence is currently insufficient to determine the role of this variant in disease. Therefore, it has been classified as a Variant of Uncertain Significance. This variant has not been reported in the literature in individuals affected with BAG3-related conditions. This variant is not present in population databases (gnomAD no frequency). This sequence change replaces proline, which is neutral and non-polar, with serine, which is neutral and polar, at codon 95 of the BAG3 protein (p.Pro95Ser).

NM_004281.4(BAG3):c.283C>T (p.Pro95Ser)

Gene: BAG3 (BAG cochaperone 3; plus strand). Cytogenetic location: 10q26.11.
Variant type: single nucleotide variant.
Coding change: c.283C>T on transcript NM_004281.4 (MANE Select); coding-DNA position 283, C replaced by T.
Protein change: p.Pro95Ser; replaces proline 95 with serine.
Molecular consequence: missense variant.
Genome position (GRCh38, 1-based): chr10:119,669,953, C>T. VCF-style: chr10-119669953-C-T. GRCh37 (hg19) VCF-style: chr10-121429465-C-T.
Other names: short protein forms P95S.
Identifiers: ClinVar variation 2939178 (VCV002939178.3), dbSNP rs727502898, ClinGen allele CA5716281.